The following is an entry in ClinVar:

ClinVar aggregate classification (germline): Uncertain significance (1 of 4 stars; one submission).

Conditions:
Myofibrillar myopathy 5. Also called: Filaminopathy (type); FILAMINOPATHY, AUTOSOMAL DOMINANT. Identifiers: Orphanet 171445, MedGen C1836050, MONDO:0012289, OMIM 609524.
Hypertrophic cardiomyopathy 26. Also called: Cardiomyopathy, familial hypertrophic, 26. Identifiers: Orphanet 75249, MedGen C4310749, MONDO:0014883, OMIM 617047.
Distal myopathy with posterior leg and anterior hand involvement. Also called: WILLIAMS DISTAL MYOPATHY. Identifiers: Orphanet 63273, MedGen C3279722, MONDO:0013550, OMIM 614065.

Allele frequency attached by ClinVar (database versions not stated): gnomAD 0.00001; TOPMed 0.00001.
gnomAD v4.1: 7 of 1,613,780 alleles (0.00043%); highest among the groups gnomAD compares: Non-Finnish European, 0.00059%; no homozygotes.

Submission:

Labcorp Genetics (formerly Invitae), Labcorp
Classification: Uncertain significance for Distal myopathy with posterior leg and anterior hand involvement; Myofibrillar myopathy 5; Hypertrophic cardiomyopathy 26. Last evaluated: 2022-09-27. Review status: criteria provided, single submitter. Criteria: Invitae Variant Classification Sherloc (09022015). Collection method: clinical testing. Allele origin: germline.
Comment: In summary, the available evidence is currently insufficient to determine the role of this variant in disease. Therefore, it has been classified as a Variant of Uncertain Significance. Algorithms developed to predict the effect of missense changes on protein structure and function are either unavailable or do not agree on the potential impact of this missense change (SIFT: "Deleterious"; PolyPhen-2: "Probably Damaging"; Align-GVGD: "Class C0"). This variant has not been reported in the literature in individuals affected with FLNC-related conditions. This variant is present in population databases (no rsID available, gnomAD 0.007%). This sequence change replaces valine, which is neutral and non-polar, with methionine, which is neutral and non-polar, at codon 670 of the FLNC protein (p.Val670Met).

NM_001458.5(FLNC):c.2008G>A (p.Val670Met)

Gene: FLNC (filamin C; plus strand). Cytogenetic location: 7q32.1.
Variant type: single nucleotide variant.
Coding change: c.2008G>A on transcript NM_001458.5 (MANE Select); coding-DNA position 2008, G replaced by A.
Protein change: p.Val670Met; replaces valine 670 with methionine.
Molecular consequence: missense variant.
Genome position (GRCh38, 1-based): chr7:128,841,454, G>A. VCF-style: chr7-128841454-G-A. GRCh37 (hg19) VCF-style: chr7-128481508-G-A.
Other names: c.2008G>A, p.Val670Met (NM_001127487.2); short protein forms V670M.
Identifiers: ClinVar variation 2157614 (VCV002157614.4), dbSNP rs1374793464, ClinGen allele CA369227572.